The following is an entry in ClinVar:

ClinVar aggregate classification (germline): Uncertain significance (1 of 4 stars; one submission).

Submission:

GeneDx
Classification: Uncertain significance. Last evaluated: 2023-12-12. Review status: criteria provided, single submitter. Criteria: GeneDx Variant Classification Process June 2021. Collection method: clinical testing. Allele origin: germline. Affected: yes.
Comment: Not observed at significant frequency in large population cohorts (gnomAD); In silico analysis supports that this missense variant does not alter protein structure/function; Has not been previously published as pathogenic or benign to our knowledge

NM_021008.4(DEAF1):c.568A>C (p.Thr190Pro)

Gene: DEAF1 (DEAF1 transcription factor; minus strand). Cytogenetic location: 11p15.5.
Variant type: single nucleotide variant.
Coding change: c.568A>C on transcript NM_021008.4 (MANE Select); coding-DNA position 568, A replaced by C.
Protein change: p.Thr190Pro; replaces threonine 190 with proline.
Molecular consequence: missense variant. On other transcripts: 5 prime UTR variant (1).
Genome position (GRCh38, 1-based): chr11:688,007, T>G on the plus strand (A>C on the coding strand, the complement: DEAF1 is on the minus strand). VCF-style: chr11-688007-T-G. GRCh37 (hg19) VCF-style: chr11-688007-T-G.
Other names: c.568A>C, p.Thr190Pro (NM_001293634.2); c.-159A>C (NM_001367390.1); short protein forms T190P.
Identifiers: ClinVar variation 3252437 (VCV003252437.1), dbSNP rs2494455704.